The following is an entry in ClinVar:

ClinVar aggregate classification (germline): Likely benign (1 of 4 stars; one submission).

Conditions:
Malignant hyperthermia, susceptibility to, 1 (MHS1). Also called: Anesthesia related hyperthermia; Malignant hyperpyrexia; Fulminating hyperpyrexia; Pharmacogenic myopathy; RYR1-Related Malignant Hyperthermia Susceptibility; Malignant hyperthermia suceptibility 1. Identifiers: Orphanet 423, MedGen C2930980, MONDO:0007783, OMIM 145600.

Submission:

All of Us Research Program, National Institutes of Health
Classification: Likely benign for Malignant hyperthermia, susceptibility to, 1. Last evaluated: 2023-05-30. Review status: criteria provided, single submitter. Criteria: ACMG Guidelines, 2015. Collection method: clinical testing. Allele origin: germline. Inheritance: Autosomal dominant inheritance. Observed: 1 variant allele, 1 heterozygote.
Comment: This study involves interpretation of variants in research participants for the purpose of population health screening. Participant phenotype was not available at the time of variant classification. Additional details can be found in publication PMID: 35346344, PMCID: PMC8962531

NM_000540.3(RYR1):c.166-5C>T

Gene: RYR1 (ryanodine receptor 1; plus strand). Cytogenetic location: 19q13.2.
Variant type: single nucleotide variant.
Coding change: c.166-5C>T on transcript NM_000540.3 (MANE Select); 5 bases into the intron before coding-DNA position 166, C replaced by T.
Molecular consequence: intron variant.
Genome position (GRCh38, 1-based): chr19:38,442,344, C>T. VCF-style: chr19-38442344-C-T. GRCh37 (hg19) VCF-style: chr19-38932984-C-T.
Other names: c.166-5C>T (NM_001042723.2).
Identifiers: ClinVar variation 3071425 (VCV003071425.1), dbSNP rs2513965242, ClinGen allele CA2814345677.